The following is an entry in ClinVar:

ClinVar aggregate classification (germline): Likely benign (0 of 4 stars; one submission).

Conditions:
ABCA5-related disorder. Also called: ABCA5-related condition.

Allele frequency attached by ClinVar (database versions not stated): 1000 Genomes Project 0.00399; 1000 Genomes Project 30x 0.00437; ExAC 0.01105; gnomAD 0.01203; TOPMed 0.01265; ESP Exome Variant Server 0.01661; gnomAD exomes 0.01943.
gnomAD v4.1: 29,848 of 1,604,852 alleles (1.9%); highest among the groups gnomAD compares: Non-Finnish European, 2.4%; 360 homozygotes.

Submissions (41):

PreventionGenetics, part of Exact Sciences
Classification: Likely benign for ABCA5-related condition. Last evaluated: 2024-03-06. Review status: no assertion criteria provided. Collection method: clinical testing. Allele origin: germline.
Comment: This variant is classified as likely benign based on ACMG/AMP sequence variant interpretation guidelines (Richards et al. 2015 PMID: 25741868, with internal and published modifications).

Dr. Peter K. Rogan Lab, Western University
No classification provided (evidence only). Condition: Clear cell carcinoma of kidney. Review status: no classification provided. Collection method: in vitro. Allele origin: not applicable. Functional consequence: retained intron. Not counted in ClinVar's aggregate classification.

Dr. Peter K. Rogan Lab, Western University
No classification provided (evidence only). Condition: Clear cell carcinoma of kidney. Review status: no classification provided. Collection method: in vitro. Allele origin: not applicable. Functional consequence: retained intron. Not counted in ClinVar's aggregate classification.

Dr. Peter K. Rogan Lab, Western University
No classification provided (evidence only). Condition: Clear cell carcinoma of kidney. Review status: no classification provided. Collection method: in vitro. Allele origin: not applicable. Functional consequence: retained intron. Not counted in ClinVar's aggregate classification.

Dr. Peter K. Rogan Lab, Western University
No classification provided (evidence only). Condition: Clear cell carcinoma of kidney. Review status: no classification provided. Collection method: in vitro. Allele origin: not applicable. Functional consequence: retained intron. Not counted in ClinVar's aggregate classification.

Dr. Peter K. Rogan Lab, Western University
No classification provided (evidence only). Condition: Clear cell carcinoma of kidney. Review status: no classification provided. Collection method: in vitro. Allele origin: not applicable. Functional consequence: retained intron. Not counted in ClinVar's aggregate classification.

Dr. Peter K. Rogan Lab, Western University
No classification provided (evidence only). Condition: Lung cancer. Review status: no classification provided. Collection method: in vitro. Allele origin: not applicable. Functional consequence: retained intron. Not counted in ClinVar's aggregate classification.

Dr. Peter K. Rogan Lab, Western University
No classification provided (evidence only). Condition: Lung cancer. Review status: no classification provided. Collection method: in vitro. Allele origin: not applicable. Functional consequence: retained intron. Not counted in ClinVar's aggregate classification.

Dr. Peter K. Rogan Lab, Western University
No classification provided (evidence only). Condition: Lung cancer. Review status: no classification provided. Collection method: in vitro. Allele origin: not applicable. Functional consequence: retained intron. Not counted in ClinVar's aggregate classification.

Dr. Peter K. Rogan Lab, Western University
No classification provided (evidence only). Condition: Lung cancer. Review status: no classification provided. Collection method: in vitro. Allele origin: not applicable. Functional consequence: retained intron. Not counted in ClinVar's aggregate classification.

Dr. Peter K. Rogan Lab, Western University
No classification provided (evidence only). Condition: Lung cancer. Review status: no classification provided. Collection method: in vitro. Allele origin: not applicable. Functional consequence: retained intron. Not counted in ClinVar's aggregate classification.

Dr. Peter K. Rogan Lab, Western University
No classification provided (evidence only). Condition: Lung cancer. Review status: no classification provided. Collection method: in vitro. Allele origin: not applicable. Functional consequence: retained intron. Not counted in ClinVar's aggregate classification.

Dr. Peter K. Rogan Lab, Western University
No classification provided (evidence only). Condition: Melanoma. Review status: no classification provided. Collection method: in vitro. Allele origin: not applicable. Functional consequence: retained intron. Not counted in ClinVar's aggregate classification.

Dr. Peter K. Rogan Lab, Western University
No classification provided (evidence only). Condition: Melanoma. Review status: no classification provided. Collection method: in vitro. Allele origin: not applicable. Functional consequence: retained intron. Not counted in ClinVar's aggregate classification.

Dr. Peter K. Rogan Lab, Western University
No classification provided (evidence only). Condition: Melanoma. Review status: no classification provided. Collection method: in vitro. Allele origin: not applicable. Functional consequence: retained intron. Not counted in ClinVar's aggregate classification.

Dr. Peter K. Rogan Lab, Western University
No classification provided (evidence only). Condition: Melanoma. Review status: no classification provided. Collection method: in vitro. Allele origin: not applicable. Functional consequence: retained intron. Not counted in ClinVar's aggregate classification.

Dr. Peter K. Rogan Lab, Western University
No classification provided (evidence only). Condition: Acute myeloid leukemia. Review status: no classification provided. Collection method: in vitro. Allele origin: not applicable. Functional consequence: retained intron. Not counted in ClinVar's aggregate classification.

Dr. Peter K. Rogan Lab, Western University
No classification provided (evidence only). Condition: Acute myeloid leukemia. Review status: no classification provided. Collection method: in vitro. Allele origin: not applicable. Functional consequence: retained intron. Not counted in ClinVar's aggregate classification.

Dr. Peter K. Rogan Lab, Western University
No classification provided (evidence only). Condition: Colon adenocarcinoma. Review status: no classification provided. Collection method: in vitro. Allele origin: not applicable. Functional consequence: retained intron. Not counted in ClinVar's aggregate classification.

Dr. Peter K. Rogan Lab, Western University
No classification provided (evidence only). Condition: Colon adenocarcinoma. Review status: no classification provided. Collection method: in vitro. Allele origin: not applicable. Functional consequence: retained intron. Not counted in ClinVar's aggregate classification.

Dr. Peter K. Rogan Lab, Western University
No classification provided (evidence only). Condition: Colon adenocarcinoma. Review status: no classification provided. Collection method: in vitro. Allele origin: not applicable. Functional consequence: retained intron. Not counted in ClinVar's aggregate classification.

Dr. Peter K. Rogan Lab, Western University
No classification provided (evidence only). Condition: Colorectal cancer. Review status: no classification provided. Collection method: in vitro. Allele origin: not applicable. Functional consequence: retained intron. Not counted in ClinVar's aggregate classification.

Dr. Peter K. Rogan Lab, Western University
No classification provided (evidence only). Condition: Uterine corpus endometrial carcinoma. Review status: no classification provided. Collection method: in vitro. Allele origin: not applicable. Functional consequence: retained intron. Not counted in ClinVar's aggregate classification.

Dr. Peter K. Rogan Lab, Western University
No classification provided (evidence only). Condition: Uterine corpus endometrial carcinoma. Review status: no classification provided. Collection method: in vitro. Allele origin: not applicable. Functional consequence: retained intron. Not counted in ClinVar's aggregate classification.

Dr. Peter K. Rogan Lab, Western University
No classification provided (evidence only). Condition: Uterine corpus endometrial carcinoma. Review status: no classification provided. Collection method: in vitro. Allele origin: not applicable. Functional consequence: retained intron. Not counted in ClinVar's aggregate classification.

Dr. Peter K. Rogan Lab, Western University
No classification provided (evidence only). Condition: Uterine corpus endometrial carcinoma. Review status: no classification provided. Collection method: in vitro. Allele origin: not applicable. Functional consequence: retained intron. Not counted in ClinVar's aggregate classification.

Dr. Peter K. Rogan Lab, Western University
No classification provided (evidence only). Condition: Cervical cancer. Review status: no classification provided. Collection method: in vitro. Allele origin: not applicable. Functional consequence: retained intron. Not counted in ClinVar's aggregate classification.

Dr. Peter K. Rogan Lab, Western University
No classification provided (evidence only). Condition: Cervical cancer. Review status: no classification provided. Collection method: in vitro. Allele origin: not applicable. Functional consequence: skipped exon, retained intron. Not counted in ClinVar's aggregate classification.

Dr. Peter K. Rogan Lab, Western University
No classification provided (evidence only). Condition: Cervical cancer. Review status: no classification provided. Collection method: in vitro. Allele origin: not applicable. Functional consequence: retained intron. Not counted in ClinVar's aggregate classification.

Dr. Peter K. Rogan Lab, Western University
No classification provided (evidence only). Condition: Cervical cancer. Review status: no classification provided. Collection method: in vitro. Allele origin: not applicable. Functional consequence: retained intron. Not counted in ClinVar's aggregate classification.

Dr. Peter K. Rogan Lab, Western University
No classification provided (evidence only). Condition: Sarcoma. Review status: no classification provided. Collection method: in vitro. Allele origin: not applicable. Functional consequence: retained intron. Not counted in ClinVar's aggregate classification.

Dr. Peter K. Rogan Lab, Western University
No classification provided (evidence only). Condition: Sarcoma. Review status: no classification provided. Collection method: in vitro. Allele origin: not applicable. Functional consequence: retained intron. Not counted in ClinVar's aggregate classification.

Dr. Peter K. Rogan Lab, Western University
No classification provided (evidence only). Condition: Nonpapillary renal cell carcinoma. Review status: no classification provided. Collection method: in vitro. Allele origin: not applicable. Functional consequence: retained intron. Not counted in ClinVar's aggregate classification.

Dr. Peter K. Rogan Lab, Western University
No classification provided (evidence only). Condition: Nonpapillary renal cell carcinoma. Review status: no classification provided. Collection method: in vitro. Allele origin: not applicable. Functional consequence: retained intron. Not counted in ClinVar's aggregate classification.

Dr. Peter K. Rogan Lab, Western University
No classification provided (evidence only). Condition: Thymoma. Review status: no classification provided. Collection method: in vitro. Allele origin: not applicable. Functional consequence: retained intron. Not counted in ClinVar's aggregate classification.

Dr. Peter K. Rogan Lab, Western University
No classification provided (evidence only). Condition: Ovarian serous cystadenocarcinoma. Review status: no classification provided. Collection method: in vitro. Allele origin: not applicable. Functional consequence: retained intron. Not counted in ClinVar's aggregate classification.

Dr. Peter K. Rogan Lab, Western University
No classification provided (evidence only). Condition: Ovarian serous cystadenocarcinoma. Review status: no classification provided. Collection method: in vitro. Allele origin: not applicable. Functional consequence: retained intron. Not counted in ClinVar's aggregate classification.

Dr. Peter K. Rogan Lab, Western University
No classification provided (evidence only). Condition: Adrenocortical carcinoma, hereditary. Review status: no classification provided. Collection method: in vitro. Allele origin: not applicable. Functional consequence: skipped exon. Not counted in ClinVar's aggregate classification.

Dr. Peter K. Rogan Lab, Western University
No classification provided (evidence only). Condition: Uveal melanoma. Review status: no classification provided. Collection method: in vitro. Allele origin: not applicable. Functional consequence: retained intron. Not counted in ClinVar's aggregate classification.

Dr. Peter K. Rogan Lab, Western University
No classification provided (evidence only). Condition: Malignant tumor of esophagus. Review status: no classification provided. Collection method: in vitro. Allele origin: not applicable. Functional consequence: retained intron. Not counted in ClinVar's aggregate classification.

Dr. Peter K. Rogan Lab, Western University
No classification provided (evidence only). Condition: Malignant tumor of esophagus. Review status: no classification provided. Collection method: in vitro. Allele origin: not applicable. Functional consequence: retained intron. Not counted in ClinVar's aggregate classification.

NM_172232.4(ABCA5):c.4415+3G>A

Gene: ABCA5 (ATP binding cassette subfamily A member 5; minus strand). Cytogenetic location: 17q24.3.
Variant type: single nucleotide variant.
Coding change: c.4415+3G>A on transcript NM_172232.4 (MANE Select); 3 bases into the intron after coding-DNA position 4415, G replaced by A.
Molecular consequence: intron variant.
Genome position (GRCh38, 1-based): chr17:69,253,570, C>T on the plus strand (G>A on the coding strand, the complement: ABCA5 is on the minus strand). VCF-style: chr17-69253570-C-T. GRCh37 (hg19) VCF-style: chr17-67249711-C-T.
Other names: NC_000017.10:g.67249711C>T; c.4415+3G>A (NM_018672.5).
Identifiers: ClinVar variation 3037281 (VCV003037281.3), dbSNP rs77262773, ClinGen allele CA8736721.